The following is an entry in ClinVar:

ClinVar aggregate classification (germline): Conflicting classifications of pathogenicity. Review status: criteria provided, conflicting classifications (1 of 4 stars). 3 submissions from 3 submitters: Uncertain significance (2); Likely benign (1). Last evaluated 2025-08-01.

Conditions:
Inborn genetic diseases. Identifiers: MedGen C0950123, MeSH D030342.

Allele frequency attached by ClinVar (database versions not stated): ExAC 0.00006; TOPMed 0.00008; gnomAD exomes 0.00009 and 0.00028; gnomAD 0.00010.

Submissions (3):

Labcorp Genetics (formerly Invitae), Labcorp
Classification: Uncertain significance. Last evaluated: 2025-08-01. Review status: criteria provided, single submitter. Criteria: Invitae Variant Classification Sherloc (09022015). Collection method: clinical testing. Allele origin: germline.
Comment: This sequence change replaces arginine, which is basic and polar, with histidine, which is basic and polar, at codon 2359 of the DCHS1 protein (p.Arg2359His). This variant is present in population databases (rs200536613, gnomAD 0.02%). This variant has not been reported in the literature in individuals affected with DCHS1-related conditions. ClinVar contains an entry for this variant (Variation ID: 1208757). Invitae Evidence Modeling of protein sequence and biophysical properties (such as structural, functional, and spatial information, amino acid conservation, physicochemical variation, residue mobility, and thermodynamic stability) indicates that this missense variant is not expected to disrupt DCHS1 protein function with a negative predictive value of 80%. In summary, the available evidence is currently insufficient to determine the role of this variant in disease. Therefore, it has been classified as a Variant of Uncertain Significance.

Ambry Genetics
Classification: Likely benign for Inborn genetic diseases. Last evaluated: 2022-12-21. Review status: criteria provided, single submitter. Criteria: Ambry Variant Classification Scheme 2023. Collection method: clinical testing. Allele origin: germline.

GeneDx
Classification: Uncertain significance. Last evaluated: 2022-11-10. Review status: criteria provided, single submitter. Criteria: GeneDx Variant Classification Process June 2021. Collection method: clinical testing. Allele origin: germline. Affected: yes.
Comment: In silico analysis, which includes protein predictors and evolutionary conservation, supports that this variant does not alter protein structure/function; Has not been previously published as pathogenic or benign to our knowledge

NM_003737.4(DCHS1):c.7076G>A (p.Arg2359His)

Gene: DCHS1 (dachsous cadherin-related 1; minus strand). Cytogenetic location: 11p15.4.
Variant type: single nucleotide variant.
Coding change: c.7076G>A on transcript NM_003737.4 (MANE Select); coding-DNA position 7076, G replaced by A.
Protein change: p.Arg2359His; replaces arginine 2359 with histidine.
Molecular consequence: missense variant.
Genome position (GRCh38, 1-based): chr11:6,625,268, C>T on the plus strand (G>A on the coding strand, the complement: DCHS1 is on the minus strand). VCF-style: chr11-6625268-C-T. GRCh37 (hg19) VCF-style: chr11-6646499-C-T.
Other names: c.7076G>A (NM_003737.2); short protein forms R2359H.
Identifiers: ClinVar variation 1208757 (VCV001208757.11), dbSNP rs200536613, ClinGen allele CA5859702.